The following is an entry in ClinVar:

ClinVar aggregate classification (germline): Uncertain significance (1 of 4 stars; one submission).

Conditions:
Multiple endocrine neoplasia, type 2 (MEN2). Identifiers: Orphanet 653, MedGen C4048306, MONDO:0019003. Disease mechanism: gain of function.

Allele frequency attached by ClinVar (database versions not stated): gnomAD exomes below 0.00001.
gnomAD v4.1: 1 of 1,614,188 alleles (0.000062%); highest among the groups gnomAD compares: Non-Finnish European, 0.000085%; no homozygotes.

Submission:

Labcorp Genetics (formerly Invitae), Labcorp
Classification: Uncertain significance for Multiple endocrine neoplasia, type 2. Last evaluated: 2023-02-23. Review status: criteria provided, single submitter. Criteria: Invitae Variant Classification Sherloc (09022015). Collection method: clinical testing. Allele origin: germline.
Comment: In summary, the available evidence is currently insufficient to determine the role of this variant in disease. Therefore, it has been classified as a Variant of Uncertain Significance. An algorithm developed to predict the effect of missense changes on protein structure and function (PolyPhen-2) suggests that this variant is likely to be disruptive. This variant has not been reported in the literature in individuals affected with RET-related conditions. This variant is not present in population databases (gnomAD no frequency). This sequence change replaces arginine, which is basic and polar, with lysine, which is basic and polar, at codon 1089 of the RET protein (p.Arg1089Lys).

NM_020975.6(RET):c.3266G>A (p.Arg1089Lys)

Gene: RET (ret proto-oncogene; plus strand). Cytogenetic location: 10q11.21.
Variant type: single nucleotide variant.
Coding change: c.3266G>A on transcript NM_020975.6 (MANE Select); coding-DNA position 3266, G replaced by A.
Protein change: p.Arg1089Lys; replaces arginine 1089 with lysine.
Molecular consequence: missense variant. On other transcripts: 3 prime UTR variant (18), intron variant (3).
Genome position (GRCh38, 1-based): chr10:43,128,190, G>A. VCF-style: chr10-43128190-G-A. GRCh37 (hg19) VCF-style: chr10-43623638-G-A.
Other names: c.3266G>A, p.Arg1089Lys (NM_000323.2, NM_001406743.1); c.*1436G>A (NM_001355216.2, NM_001406764.1, NM_001406765.1 and 15 more transcripts); c.3206G>A, p.Arg1069Lys (NM_001406759.1, NM_001406760.1); c.3137G>A, p.Arg1046Lys (NM_001406761.1, NM_001406762.1); c.3131G>A, p.Arg1044Lys (NM_001406763.1); c.2978G>A, p.Arg993Lys (NM_001406766.1, NM_001406767.1); c.2870G>A, p.Arg957Lys (NM_001406769.1); c.2828G>A, p.Arg943Lys (NM_001406771.1); and 10 more; short protein forms R1089K, R586K, R606K, R943K, R957K, R747K, R993K, R1046K.
Identifiers: ClinVar variation 2793841 (VCV002793841.3), dbSNP rs1245283352, ClinGen allele CA376559048.